The following is an entry in ClinVar:

NM_004863.4(SPTLC2):c.1304-7T>G

Gene: SPTLC2 (serine palmitoyltransferase long chain base subunit 2; minus strand). Cytogenetic location: 14q24.3.
Variant type: single nucleotide variant.
Coding change: c.1304-7T>G on transcript NM_004863.4 (MANE Select); 7 bases into the intron before coding-DNA position 1304, T replaced by G.
Molecular consequence: intron variant.
Genome position (GRCh38, 1-based): chr14:77,521,588, A>C on the plus strand (T>G on the coding strand, the complement: SPTLC2 is on the minus strand). VCF-style: chr14-77521588-A-C. GRCh37 (hg19) VCF-style: chr14-77987931-A-C.
Identifiers: ClinVar variation 2187553 (VCV002187553.4), dbSNP rs764465231, ClinGen allele CA7289186.

ClinVar aggregate classification (germline): Uncertain significance (1 of 4 stars; one submission).

Conditions:
Neuropathy, hereditary sensory and autonomic, type 1C. Also called: HSAN IC; HSN IC. Identifiers: Orphanet 36386, MedGen C3150896, MONDO:0013337, OMIM 613640.

Allele frequency attached by ClinVar (database versions not stated): gnomAD exomes below 0.00001; ExAC 0.00001; TOPMed 0.00002.
gnomAD v4.1: 3 of 1,613,742 alleles (0.00019%); highest among the groups gnomAD compares: Middle Eastern, 0.016%; no homozygotes.

Submission:

Labcorp Genetics (formerly Invitae), Labcorp
Classification: Uncertain significance for Neuropathy, hereditary sensory and autonomic, type 1C. Last evaluated: 2022-06-18. Review status: criteria provided, single submitter. Criteria: Invitae Variant Classification Sherloc (09022015). Collection method: clinical testing. Allele origin: germline.
Comment: This variant has not been reported in the literature in individuals affected with SPTLC2-related conditions. This variant is present in population databases (rs764465231, gnomAD 0.002%). This sequence change falls in intron 9 of the SPTLC2 gene. It does not directly change the encoded amino acid sequence of the SPTLC2 protein. In summary, the available evidence is currently insufficient to determine the role of this variant in disease. Therefore, it has been classified as a Variant of Uncertain Significance. Algorithms developed to predict the effect of sequence changes on RNA splicing suggest that this variant may create or strengthen a splice site.